The following is an entry in ClinVar:

ClinVar aggregate classification (germline): Uncertain significance (1 of 4 stars; one submission).

gnomAD v4.1: 1 of 1,242,620 alleles (0.00008%); highest among the groups gnomAD compares: Non-Finnish European, 0.00011%; no homozygotes.

Submission:

GeneDx
Classification: Uncertain significance. Last evaluated: 2024-10-30. Review status: criteria provided, single submitter. Criteria: GeneDx Variant Classification Process June 2021. Collection method: clinical testing. Allele origin: germline. Affected: yes.
Comment: Not observed at significant frequency in large population cohorts (gnomAD); In silico analysis indicates that this missense variant does not alter protein structure/function; Has not been previously published as pathogenic or benign to our knowledge

NM_001005271.3(CHD3):c.58G>A (p.Glu20Lys)

Genes: CHD3 (chromodomain helicase DNA binding protein 3; plus strand), NAA38 (N-alpha-acetyltransferase 38, NatC auxiliary subunit; minus strand). Cytogenetic location: 17p13.1.
Variant type: single nucleotide variant.
Coding change: c.58G>A on transcript NM_001005271.3; coding-DNA position 58, G replaced by A.
Protein change: p.Glu20Lys; replaces glutamic acid 20 with lysine.
Molecular consequence: missense variant. On other transcripts: intron variant (1).
Genome position (GRCh38, 1-based): chr17:7,884,864, G>A. VCF-style: chr17-7884864-G-A. GRCh37 (hg19) VCF-style: chr17-7788182-G-A.
Other names: c.58G>A, p.Glu20Lys (NM_001437504.1, NM_001437507.1, NM_001437508.1 and 1 more transcripts); c.-167+301C>T (NM_001330111.2); short protein forms E20K.
Identifiers: ClinVar variation 3897497 (VCV003897497.1).